The following is an entry in ClinVar:

NM_001009944.3(PKD1):c.7316G>A (p.Arg2439Gln)

Gene: PKD1 (polycystin 1, transient receptor potential channel interacting; minus strand). Cytogenetic location: 16p13.3.
Variant type: single nucleotide variant.
Coding change: c.7316G>A on transcript NM_001009944.3 (MANE Select); coding-DNA position 7316, G replaced by A.
Protein change: p.Arg2439Gln; replaces arginine 2439 with glutamine.
Molecular consequence: missense variant.
Genome position (GRCh38, 1-based): chr16:2,106,571, C>T on the plus strand (G>A on the coding strand, the complement: PKD1 is on the minus strand). VCF-style: chr16-2106571-C-T. GRCh37 (hg19) VCF-style: chr16-2156572-C-T.
Other names: c.7316G>A (NM_001009944.2); c.7316G>A, p.Arg2439Gln (NM_000296.4); short protein forms R2439Q.
Identifiers: ClinVar variation 448004 (VCV000448004.3), dbSNP rs201021499, ClinGen allele CA7831181.
Genomic context (GRCh38, chr16:2,106,571, plus strand): 5'-CCCTCCTCCTCGCCAGAGCGGCCCAGCACCGTGAGCGTGAAGGTGTATCCCTCGCCGTCC[C>T]GCAGCACGCCCCGCCGCAGCACCAGTCGCATGCCTGCACTGCCCGTGGATGTGGTGGTCT-3'
Protein context (NP_001009944.3, residues 2429-2449): MRLVLRRGVL[Arg2439Gln]DGEGYTFTLT

ClinVar aggregate classification (germline): Uncertain significance. Review status: criteria provided, multiple submitters, no conflicts (2 of 4 stars). 3 submissions from 3 submitters: Uncertain significance (2). 1 of the submissions does not count toward it. Last evaluated 2022-10-07.

Conditions:
PKD1-related disorder. Also called: PKD1-related condition.
Polycystic kidney disease, adult type (PKD1). Also called: POLYCYSTIC KIDNEY DISEASE 1 WITH OR WITHOUT POLYCYSTIC LIVER DISEASE; Polycystic Kidney, Autosomal Dominant; POLYCYSTIC KIDNEY DISEASE, ADULT, TYPE I; Polycystic Kidney Disease 1, Autosomal Dominant; Polycystic kidney disease 1; Polycystic kidney disease 1, severe. Identifiers: MedGen C3149841, MONDO:0008263, OMIM 173900.

Allele frequency attached by ClinVar (database versions not stated): ExAC 0.00014; 1000 Genomes Project 30x 0.00016; ESP Exome Variant Server 0.00016; gnomAD exomes 0.00016; 1000 Genomes Project 0.00020; gnomAD 0.00020 and 0.00021; TOPMed 0.00024.
gnomAD v4.1: 450 of 1,596,458 alleles (0.028%); highest among the groups gnomAD compares: Non-Finnish European, 0.033%; no homozygotes.

Submissions (3):

Department of Pathology and Laboratory Medicine, Sinai Health System
Classification: Uncertain significance for Polycystic kidney disease, adult type. Last evaluated: 2022-10-07. Review status: criteria provided, single submitter. Criteria: ACMG Guidelines, 2015. Collection method: clinical testing. Allele origin: germline. Affected: yes.

Athena Diagnostics
Classification: Uncertain significance. Last evaluated: 2017-07-21. Review status: criteria provided, single submitter. Criteria: Athena Diagnostics Criteria. Collection method: clinical testing. Allele origin: germline.

PreventionGenetics, part of Exact Sciences
Classification: Uncertain significance for PKD1-related condition. Last evaluated: 2024-04-16. Review status: no assertion criteria provided. Collection method: clinical testing. Allele origin: germline. Not counted in ClinVar's aggregate classification.
Comment: The PKD1 c.7316G>A variant is predicted to result in the amino acid substitution p.Arg2439Gln. To our knowledge, this variant has not been reported in the literature. This variant is reported in 0.026% of alleles in individuals of European (Non-Finnish) descent in gnomAD. Although we suspect this variant may be benign due to the relatively high allele frequency the general population, at this time, the clinical significance of this variant is uncertain due to the absence of conclusive functional and genetic evidence.